The following is an entry in ClinVar:

NM_005228.5(EGFR):c.340G>C (p.Glu114Gln)

Gene: EGFR (epidermal growth factor receptor; plus strand). Cytogenetic location: 7p11.2.
Variant type: single nucleotide variant.
Coding change: c.340G>C on transcript NM_005228.5 (MANE Select); coding-DNA position 340, G replaced by C.
Protein change: p.Glu114Gln; replaces glutamic acid 114 with glutamine.
Molecular consequence: missense variant. On other transcripts: intron variant (1).
Genome position (GRCh38, 1-based): chr7:55,143,404, G>C. VCF-style: chr7-55143404-G-C. GRCh37 (hg19) VCF-style: chr7-55211097-G-C.
Other names: c.340G>C, p.Glu114Gln (NM_001346897.2, NM_001346898.2, NM_001346899.2 and 3 more transcripts); c.181G>C, p.Glu61Gln (NM_001346900.2); c.89-12426G>C (NM_001346941.2); short protein forms E114Q, E61Q.
Identifiers: ClinVar variation 1907484 (VCV001907484.6), dbSNP rs1219568637, ClinGen allele CA367575829.
Genomic context (GRCh38, chr7:55,143,404, plus strand): 5'-AACACAGTGGAGCGAATTCCTTTGGAAAACCTGCAGATCATCAGAGGAAATATGTACTAC[G>C]AAAATTCCTATGCCTTAGCAGTCTTATCTAACTATGATGCAAATAAAACCGGACTGAAGG-3'
Protein context (NP_005219.2, residues 104-124): LQIIRGNMYY[Glu114Gln]NSYALAVLSN

ClinVar aggregate classification (germline): Uncertain significance. Review status: criteria provided, multiple submitters, no conflicts (2 of 4 stars). 2 submissions from 2 submitters: Uncertain significance (2). Last evaluated 2026-09-09.

Conditions:
Hereditary cancer-predisposing syndrome. Also called: Hereditary neoplastic syndrome; Neoplastic Syndromes, Hereditary; Tumor predisposition; Hereditary Cancer Syndrome. Identifiers: Orphanet 140162, MedGen C0027672, MeSH D009386, MONDO:0015356.
EGFR-related lung cancer (EGFR). Identifiers: MedGen CN130014.

Submissions (2):

Ambry Genetics
Classification: Uncertain significance for Hereditary cancer-predisposing syndrome. Last evaluated: 2026-09-09. Review status: criteria provided, single submitter. Criteria: Ambry Variant Classification Scheme 2023. Collection method: clinical testing. Allele origin: germline.
Comment: The p.E114Q variant (also known as c.340G>C), located in coding exon 3 of the EGFR gene, results from a G to C substitution at nucleotide position 340. The glutamic acid at codon 114 is replaced by glutamine, an amino acid with highly similar properties. This amino acid position is well conserved in available vertebrate species. In addition, the in silico prediction for this alteration is inconclusive. Based on the available evidence, the clinical significance of this variant remains unclear.

Labcorp Genetics (formerly Invitae), Labcorp
Classification: Uncertain significance for EGFR-related lung cancer. Last evaluated: 2022-01-01. Review status: criteria provided, single submitter. Criteria: Invitae Variant Classification Sherloc (09022015). Collection method: clinical testing. Allele origin: germline.
Comment: This variant is not present in population databases (gnomAD no frequency). This sequence change replaces glutamic acid, which is acidic and polar, with glutamine, which is neutral and polar, at codon 114 of the EGFR protein (p.Glu114Gln). This variant has not been reported in the literature in individuals affected with EGFR-related conditions. Algorithms developed to predict the effect of missense changes on protein structure and function are either unavailable or do not agree on the potential impact of this missense change (SIFT: "Tolerated"; PolyPhen-2: "Possibly Damaging"; Align-GVGD: "Class C0"). In summary, the available evidence is currently insufficient to determine the role of this variant in disease. Therefore, it has been classified as a Variant of Uncertain Significance.